The following is an entry in ClinVar:

NM_000397.4(CYBB):c.730T>C (p.Cys244Arg)

Gene: CYBB (cytochrome b-245 beta chain; plus strand). Cytogenetic location: Xp21.1.
Variant type: single nucleotide variant.
Coding change: c.730T>C on transcript NM_000397.4 (MANE Select); coding-DNA position 730, T replaced by C.
Protein change: p.Cys244Arg; replaces cysteine 244 with arginine.
Molecular consequence: missense variant.
Genome position (GRCh38, 1-based): chrX:37,799,010, T>C. VCF-style: chrX-37799010-T-C. GRCh37 (hg19) VCF-style: chrX-37658263-T-C.
Other names: short protein forms C244R.
Identifiers: ClinVar variation 68409 (VCV000068409.2), dbSNP rs151344465, ClinGen allele CA219750.

ClinVar aggregate classification (germline): Uncertain significance. Review status: criteria provided, single submitter (1 of 4 stars). 2 submissions from 2 submitters: Uncertain significance (1). 1 of the submissions does not count toward it. Last evaluated 2024-08-15.

Submissions (2):

Women's Health and Genetics/Laboratory Corporation of America, LabCorp
Classification: Uncertain significance. Last evaluated: 2024-08-15. Review status: criteria provided, single submitter. Criteria: LabCorp Variant Classification Summary - May 2015. Collection method: clinical testing. Allele origin: germline.
Comment: Variant summary: CYBB c.730T>C (p.Cys244Arg) results in a non-conservative amino acid change in the encoded protein sequence. Five of five in-silico tools predict a damaging effect of the variant on protein function. The variant was absent in 181450 control chromosomes. The available data on variant occurrences in the general population are insufficient to allow any conclusion about variant significance. c.730T>C has been reported in the literature in an hemizygous individual affected with X-Linked Chronic Granulomatous Disease and in another individual with unknown zygosity affected with Chronic Granulomatous Disease (Jia_2023, Rae_1998). These data do not allow any conclusion about variant significance. To our knowledge, no experimental evidence demonstrating an impact on protein function has been reported. The following publications have been ascertained in the context of this evaluation (PMID: 36755623, 9585602). ClinVar contains an entry for this variant (Variation ID: 68409). Based on the evidence outlined above, the variant was classified as uncertain significance.

UniProtKB/Swiss-Prot
No classification provided. Review status: no classification provided. Collection method: not provided. Allele origin: not provided. Not counted in ClinVar's aggregate classification.

Literature cited by the submitters: PubMed 9585602 (cited by Women's Health and Genetics/Laboratory Corporation of America, LabCorp); PubMed 36755623 (cited by Women's Health and Genetics/Laboratory Corporation of America, LabCorp).